The following is an entry in ClinVar:

NM_000097.7(CPOX):c.796G>A (p.Val266Ile)

Gene: CPOX (coproporphyrinogen oxidase; minus strand). Cytogenetic location: 3q11.2.
Variant type: single nucleotide variant.
Coding change: c.796G>A on transcript NM_000097.7 (MANE Select); coding-DNA position 796, G replaced by A.
Protein change: p.Val266Ile; replaces valine 266 with isoleucine.
Molecular consequence: missense variant.
Genome position (GRCh38, 1-based): chr3:98,590,647, C>T on the plus strand (G>A on the coding strand, the complement: CPOX is on the minus strand). VCF-style: chr3-98590647-C-T. GRCh37 (hg19) VCF-style: chr3-98309491-C-T.
Other names: c.796G>A (NM_000097.5); short protein forms V266I.
Identifiers: ClinVar variation 3626153 (VCV003626153.5).
Genomic context (GRCh38, chr3:98,590,647, plus strand): 5'-CACATTTTGCACGACAGTACTTTCCGTAGCTCCTGAGACCCTTACCATCAGCTTCTTCTA[C>T]TTCAAAGTATCTGTAGTTGAAATGGATAGTAGGAGCATGAGGATTCTTGGGGTGGATAAC-3'
Protein context (NP_000088.3, residues 256-276): TIHFNYRYFE[Val266Ile]EEADGNKQWW

ClinVar aggregate classification (germline): Uncertain significance. Review status: criteria provided, multiple submitters, no conflicts (2 of 4 stars). 3 submissions from 3 submitters: Uncertain significance (3). Last evaluated 2025-09-25.

Conditions:
CPOX-related disorder. Also called: CPOX-related disorders; CPOX-related condition.

gnomAD v4.1: 4 of 1,611,774 alleles (0.00025%); highest among the groups gnomAD compares: African/African-American, 0.0053%; no homozygotes.

Submissions (3):

Dasa
Classification: Uncertain significance. Last evaluated: 2025-09-25. Review status: criteria provided, single submitter. Criteria: DASA Assertion Criteria. Collection method: clinical testing. Allele origin: germline.
Comment: NM_000097.7(CPOX):c.796G>A (p.Val266Ile) is a missense variant that results in the substitution of valine with isoleucine. This variant is rare in population databases. The currently available literature and clinical evidence are not sufficient to establish a definitive association between this variant and the reported condition. Therefore, this variant is classified as a variant of uncertain significance.

PreventionGenetics, part of Exact Sciences
Classification: Uncertain significance for CPOX-related condition. Last evaluated: 2025-08-02. Review status: criteria provided, single submitter. Criteria: ACMG Guidelines, 2015. Collection method: clinical testing. Allele origin: germline.
Comment: The CPOX c.796G>A variant is predicted to result in the amino acid substitution p.Val266Ile. To our knowledge, this variant has not been reported in the literature. This variant is reported in 0.0062% of alleles in individuals of African descent in gnomAD. At this time, the clinical significance of this variant is uncertain due to the absence of conclusive functional and genetic evidence.

Labcorp Genetics (formerly Invitae), Labcorp
Classification: Uncertain significance. Last evaluated: 2024-03-15. Review status: criteria provided, single submitter. Criteria: Invitae Variant Classification Sherloc (09022015). Collection method: clinical testing. Allele origin: germline.
Comment: This sequence change replaces valine, which is neutral and non-polar, with isoleucine, which is neutral and non-polar, at codon 266 of the CPOX protein (p.Val266Ile). This variant is present in population databases (no rsID available, gnomAD 0.007%). This variant has not been reported in the literature in individuals affected with CPOX-related conditions. Advanced modeling of protein sequence and biophysical properties (such as structural, functional, and spatial information, amino acid conservation, physicochemical variation, residue mobility, and thermodynamic stability) performed at Invitae indicates that this missense variant is not expected to disrupt CPOX protein function with a negative predictive value of 80%. In summary, the available evidence is currently insufficient to determine the role of this variant in disease. Therefore, it has been classified as a Variant of Uncertain Significance.